The following is an entry in ClinVar:

ClinVar aggregate classification (germline): Uncertain significance (0 of 4 stars; one submission).

Conditions:
UNC79-related disorder. Also called: UNC79-related condition.

Submission:

PreventionGenetics, part of Exact Sciences
Classification: Uncertain significance for UNC79-related condition. Last evaluated: 2024-07-01. Review status: no assertion criteria provided. Collection method: clinical testing. Allele origin: germline.
Comment: The UNC79 c.5990T>C variant is predicted to result in the amino acid substitution p.Ile1997Thr. To our knowledge, this variant has not been reported in the literature or in a large population database, indicating this variant is rare. At this time, the clinical significance of this variant is uncertain due to the absence of conclusive functional and genetic evidence.

NM_001395159.1(UNC79):c.6056T>C (p.Ile2019Thr)

Gene: UNC79 (unc-79 homolog, NALCN channel complex subunit; plus strand). Cytogenetic location: 14q32.12.
Variant type: single nucleotide variant.
Coding change: c.6056T>C on transcript NM_001395159.1 (MANE Select); coding-DNA position 6056, T replaced by C.
Protein change: p.Ile2019Thr; replaces isoleucine 2019 with threonine.
Molecular consequence: missense variant.
Genome position (GRCh38, 1-based): chr14:93,637,222, T>C. VCF-style: chr14-93637222-T-C. GRCh37 (hg19) VCF-style: chr14-94103568-T-C.
Other names: c.5990T>C, p.Ile1997Thr (NM_001346218.2); c.5309T>C, p.Ile1770Thr (NM_020818.5); short protein forms I1770T, I1997T, I2019T.
Identifiers: ClinVar variation 3346837 (VCV003346837.1).
Genomic context (GRCh38, chr14:93,637,222, plus strand): 5'-TAAATGGTGCTAAGATGACCACATCAAAGACTGAAACCCTCTATTTATCCACAGAACAGA[T>C]ACAGCCTGGGAAACGCCAGTGTAACGTGCCAACGTGCCTAAACCCTGACCTGGAGGGACA-3'
Protein context (NP_001382088.1, residues 2009-2029): HNISNWDTEQ[Ile2019Thr]QPGKRQCNVP